The following is an entry in ClinVar:

ClinVar aggregate classification (germline): Pathogenic (1 of 4 stars; one submission).

Conditions:
Autosomal recessive nonsyndromic hearing loss 12. Also called: DEAFNESS, AUTOSOMAL RECESSIVE 12. Identifiers: Orphanet 90636, MedGen C1832394, MONDO:0011067, OMIM 601386.

Submission:

Institute of Rare Diseases, West China Hospital, Sichuan University
Classification: Pathogenic for Autosomal recessive nonsyndromic hearing loss 12. Last evaluated: 2025-01-09. Review status: criteria provided, single submitter. Criteria: ClinGen HL ACMG Specifications v1. Collection method: research. Allele origin: germline. Affected: yes.
Comment: PVS1;PM3;PM2_Supporting

NM_022124.6(CDH23):c.3715+1G>C

Genes: C10orf105 (chromosome 10 open reading frame 105; minus strand), CDH23 (cadherin related 23; plus strand). Cytogenetic location: 10q22.1.
Variant type: single nucleotide variant.
Coding change: c.3715+1G>C on transcript NM_022124.6 (MANE Select); the canonical splice donor site of the intron after coding-DNA position 3715, G replaced by C.
Molecular consequence: splice donor variant. On other transcripts: intron variant (1).
Genome position (GRCh38, 1-based): chr10:71,730,605, G>C. VCF-style: chr10-71730605-G-C. GRCh37 (hg19) VCF-style: chr10-73490362-G-C.
Other names: c.3715+1G>C (NM_001171930.2); c.-6+7123C>G (NM_001168390.2).
Identifiers: ClinVar variation 3601266 (VCV003601266.1).